The following is an entry in ClinVar:

ClinVar aggregate classification (germline): Pathogenic. Review status: criteria provided, multiple submitters, no conflicts (2 of 4 stars). 2 submissions from 2 submitters: Pathogenic (2). Last evaluated 2024-05-16.

Conditions:
Familial adenomatous polyposis 4 (FAP4). Also called: MSH3-related attenuated familial adenomatous polyposis. Identifiers: Orphanet 480536, MedGen C4310719, MONDO:0044300, OMIM 617100.
Hereditary cancer-predisposing syndrome. Also called: Tumor predisposition; Hereditary neoplastic syndrome; Neoplastic Syndromes, Hereditary; Hereditary Cancer Syndrome. Identifiers: Orphanet 140162, MedGen C0027672, MeSH D009386, MONDO:0015356.

Allele frequency attached by ClinVar (database versions not stated): gnomAD exomes below 0.00001.

Submissions (2):

Ambry Genetics
Classification: Pathogenic for Hereditary cancer-predisposing syndrome. Last evaluated: 2024-05-16. Review status: criteria provided, single submitter. Criteria: Ambry Variant Classification Scheme 2023. Collection method: clinical testing. Allele origin: germline.
Comment: The c.3160delA pathogenic mutation, located in coding exon 23 of the MSH3 gene, results from a deletion of one nucleotide at nucleotide position 3160, causing a translational frameshift with a predicted alternate stop codon (p.T1054Pfs*6). This variant is considered to be rare based on population cohorts in the Genome Aggregation Database (gnomAD). This alteration is expected to result in loss of function by premature protein truncation or nonsense-mediated mRNA decay. As such, this alteration is interpreted as a disease-causing mutation.

Myriad Genetics, Inc.
Classification: Pathogenic for Familial adenomatous polyposis 4. Last evaluated: 2023-08-31. Review status: criteria provided, single submitter. Criteria: Myriad Autosomal Dominant, Autosomal Recessive and X-Linked Classification Criteria (2023). Collection method: clinical testing. Allele origin: unknown.
Comment: This variant is considered pathogenic. This variant creates a frameshift predicted to result in premature protein truncation.

NM_002439.5(MSH3):c.3160del (p.Thr1054fs)

Gene: MSH3 (mutS homolog 3; plus strand). Cytogenetic location: 5q14.1.
Variant type: Deletion.
Coding change: c.3160del on transcript NM_002439.5 (MANE Select); coding-DNA position 3160, one base deleted (A; older notation c.3160delA).
Protein change: p.Thr1054fs; shifts the reading frame from threonine 1054.
Molecular consequence: frameshift variant.
Genome position (GRCh38, 1-based): chr5:80,873,145, A deleted. VCF-style (leftmost placement, unchanged base first): chr5-80873144-CA-C. GRCh37 (hg19) VCF-style: chr5-80168963-CA-C.
Other names: c.3160delA (NM_002439.3); short protein forms T1054fs.
Identifiers: ClinVar variation 2673572 (VCV002673572.2), dbSNP rs2478804953, ClinGen allele CA2674445921.